The following is an entry in ClinVar:

ClinVar aggregate classification (germline): Uncertain significance. Review status: criteria provided, multiple submitters, no conflicts (2 of 4 stars). 3 submissions from 3 submitters: Uncertain significance (3). Last evaluated 2025-07-30.

Conditions:
Hereditary cancer-predisposing syndrome. Also called: Neoplastic Syndromes, Hereditary; Tumor predisposition; Hereditary neoplastic syndrome; Hereditary Cancer Syndrome. Identifiers: Orphanet 140162, MedGen C0027672, MeSH D009386, MONDO:0015356.

gnomAD v4.1: 1 of 1,610,334 alleles (0.000062%); highest among the groups gnomAD compares: Non-Finnish European, 0.000085%; no homozygotes.

Submissions (3):

Labcorp Genetics (formerly Invitae), Labcorp
Classification: Uncertain significance. Last evaluated: 2025-07-30. Review status: criteria provided, single submitter. Criteria: Invitae Variant Classification Sherloc (09022015). Collection method: clinical testing. Allele origin: germline.
Comment: This sequence change replaces valine, which is neutral and non-polar, with alanine, which is neutral and non-polar, at codon 293 of the NTHL1 protein (p.Val293Ala). This variant is not present in population databases (gnomAD no frequency). This variant has not been reported in the literature in individuals affected with NTHL1-related conditions. ClinVar contains an entry for this variant (Variation ID: 1388098). An algorithm developed to predict the effect of missense changes on protein structure and function (PolyPhen-2) suggests that this variant is likely to be tolerated. In summary, the available evidence is currently insufficient to determine the role of this variant in disease. Therefore, it has been classified as a Variant of Uncertain Significance.

Ambry Genetics
Classification: Uncertain significance for Hereditary cancer-predisposing syndrome. Last evaluated: 2024-05-15. Review status: criteria provided, single submitter. Criteria: Ambry Variant Classification Scheme 2023. Collection method: clinical testing. Allele origin: germline.
Comment: The p.V293A variant (also known as c.878T>C), located in coding exon 6 of the NTHL1 gene, results from a T to C substitution at nucleotide position 878. The valine at codon 293 is replaced by alanine, an amino acid with similar properties. This amino acid position is not well conserved in available vertebrate species. In addition, the in silico prediction for this alteration is inconclusive. Since supporting evidence is limited at this time, the clinical significance of this alteration remains unclear.

Quest Diagnostics Nichols Institute San Juan Capistrano
Classification: Uncertain significance. Last evaluated: 2021-07-23. Review status: criteria provided, single submitter. Criteria: Quest Diagnostics criteria. Collection method: clinical testing. Allele origin: unknown.

NM_002528.7(NTHL1):c.854T>C (p.Val285Ala)

Gene: NTHL1 (nth like DNA glycosylase 1; minus strand). Cytogenetic location: 16p13.3.
Variant type: single nucleotide variant.
Coding change: c.854T>C on transcript NM_002528.7 (MANE Select); coding-DNA position 854, T replaced by C.
Protein change: p.Val285Ala; replaces valine 285 with alanine.
Molecular consequence: missense variant.
Genome position (GRCh38, 1-based): chr16:2,039,985, A>G on the plus strand (T>C on the coding strand, the complement: NTHL1 is on the minus strand). VCF-style: chr16-2039985-A-G. GRCh37 (hg19) VCF-style: chr16-2089986-A-G.
Other names: c.878T>C (NM_002528.6); c.683T>C, p.Val228Ala (NM_001318193.2); c.524T>C, p.Val175Ala (NM_001318194.2); short protein forms V285A, V175A, V228A.
Identifiers: ClinVar variation 1388098 (VCV001388098.12), dbSNP rs2150937861, ClinGen allele CA394287210.